The following is an entry in ClinVar:

NM_001905.4(CTPS1):c.361A>G (p.Ile121Val)

Gene: CTPS1 (CTP synthase 1; plus strand). Cytogenetic location: 1p34.2.
Variant type: single nucleotide variant.
Coding change: c.361A>G on transcript NM_001905.4 (MANE Select); coding-DNA position 361, A replaced by G.
Protein change: p.Ile121Val; replaces isoleucine 121 with valine.
Molecular consequence: missense variant. On other transcripts: non-coding transcript variant (1).
Genome position (GRCh38, 1-based): chr1:40,987,395, A>G. VCF-style: chr1-40987395-A-G. GRCh37 (hg19) VCF-style: chr1-41453067-A-G.
Other names: c.361A>G (NM_001905.2); short protein forms I121V.
Identifiers: ClinVar variation 1373764 (VCV001373764.4), dbSNP rs200274195, ClinGen allele CA795235.

ClinVar aggregate classification (germline): Uncertain significance. Review status: criteria provided, multiple submitters, no conflicts (2 of 4 stars). 2 submissions from 2 submitters: Uncertain significance (2). Last evaluated 2025-03-19.

Conditions:
Combined immunodeficiency due to CTPS1 deficiency. Also called: Immunodeficiency 24; Severe combined immunodeficiency due to CTPS1 deficiency. Identifiers: Orphanet 420573, MedGen C4014617, MONDO:0014391, OMIM 615897.

Allele frequency attached by ClinVar (database versions not stated): ExAC 0.00003; gnomAD 0.00004; TOPMed 0.00004; 1000 Genomes Project 30x 0.00016; 1000 Genomes Project 0.00020; gnomAD exomes 0.00002.
gnomAD v4.1: 31 of 1,613,996 alleles (0.0019%); highest among the groups gnomAD compares: African/African-American, 0.008%; no homozygotes.

Submissions (2):

Ambry Genetics
Classification: Uncertain significance. Last evaluated: 2025-03-19. Review status: criteria provided, single submitter. Criteria: Ambry Variant Classification Scheme 2023. Collection method: clinical testing. Allele origin: germline.

Labcorp Genetics (formerly Invitae), Labcorp
Classification: Uncertain significance for Combined immunodeficiency due to CTPS1 deficiency. Last evaluated: 2021-08-02. Review status: criteria provided, single submitter. Criteria: Invitae Variant Classification Sherloc (09022015). Collection method: clinical testing. Allele origin: germline.
Comment: This sequence change replaces isoleucine with valine at codon 121 of the CTPS1 protein (p.Ile121Val). The isoleucine residue is highly conserved and there is a small physicochemical difference between isoleucine and valine. This variant is present in population databases (rs200274195, ExAC 0.01%). This variant has not been reported in the literature in individuals affected with CTPS1-related conditions. Algorithms developed to predict the effect of missense changes on protein structure and function output the following: SIFT: "Deleterious"; PolyPhen-2: "Benign"; Align-GVGD: "Class C25". The valine amino acid residue is found in multiple mammalian species, which suggests that this missense change does not adversely affect protein function. In summary, the available evidence is currently insufficient to determine the role of this variant in disease. Therefore, it has been classified as a Variant of Uncertain Significance.